The following is an entry in ClinVar:

ClinVar aggregate classification (germline): Uncertain significance (1 of 4 stars; one submission).

Conditions:
Angelman syndrome (AS). Also called: HAPPY PUPPET SYNDROME. Identifiers: Orphanet 72, MedGen C0162635, MONDO:0007113, OMIM 105830. Disease mechanism: loss of function. Inheritance: AS is caused by disruption of maternally imprinted UBE3A located within the 15q11.2-q13 Angelman syndrome/Prader-Willi syndrome (AS/PWS) region., imprinting disorder.

gnomAD v4.1: 3 of 1,613,978 alleles (0.00019%); highest among the groups gnomAD compares: Non-Finnish European, 0.00025%; no homozygotes.

Submission:

Labcorp Genetics (formerly Invitae), Labcorp
Classification: Uncertain significance for Angelman syndrome. Last evaluated: 2024-10-23. Review status: criteria provided, single submitter. Criteria: Invitae Variant Classification Sherloc (09022015). Collection method: clinical testing. Allele origin: germline.
Comment: This sequence change replaces alanine, which is neutral and non-polar, with serine, which is neutral and polar, at codon 95 of the UBE3A protein (p.Ala95Ser). This variant is present in population databases (no rsID available, gnomAD 0.0009%). This variant has not been reported in the literature in individuals affected with UBE3A-related conditions. ClinVar contains an entry for this variant (Variation ID: 2103813). Invitae Evidence Modeling of protein sequence and biophysical properties (such as structural, functional, and spatial information, amino acid conservation, physicochemical variation, residue mobility, and thermodynamic stability) indicates that this missense variant is not expected to disrupt UBE3A protein function with a negative predictive value of 95%. In summary, the available evidence is currently insufficient to determine the role of this variant in disease. Therefore, it has been classified as a Variant of Uncertain Significance.

NM_130839.5(UBE3A):c.343G>T (p.Ala115Ser)

Genes: SNHG14 (small nucleolar RNA host gene 14; plus strand), UBE3A (ubiquitin protein ligase E3A; minus strand). Cytogenetic location: 15q11.2.
Variant type: single nucleotide variant.
Coding change: c.343G>T on transcript NM_130839.5 (MANE Select); coding-DNA position 343, G replaced by T.
Protein change: p.Ala115Ser; replaces alanine 115 with serine.
Molecular consequence: missense variant. On other transcripts: non-coding transcript variant (1).
Genome position (GRCh38, 1-based): chr15:25,375,483, C>A on the plus strand (G>T on the coding strand, the complement: UBE3A is on the minus strand). VCF-style: chr15-25375483-C-A. GRCh37 (hg19) VCF-style: chr15-25620630-C-A.
Other names: c.352G>T, p.Ala118Ser (NM_000462.5); c.343G>T, p.Ala115Ser (NM_001354505.1, NM_001354538.2, NM_001354545.2 and 1 more transcripts); c.283G>T, p.Ala95Ser (NM_001354506.2, NM_001354507.2, NM_001354508.2 and 18 more transcripts); c.166G>T, p.Ala56Ser (NM_001354546.2); short protein forms A118S, A56S, A95S, A115S.
Identifiers: ClinVar variation 2103813 (VCV002103813.4), dbSNP rs376815580, ClinGen allele CA391356087.